The following is an entry in ClinVar:

NM_017514.5(PLXNA3):c.242C>G (p.Pro81Arg)

Gene: PLXNA3 (plexin A3; plus strand). Cytogenetic location: Xq28.
Variant type: single nucleotide variant.
Coding change: c.242C>G on transcript NM_017514.5 (MANE Select); coding-DNA position 242, C replaced by G.
Protein change: p.Pro81Arg; replaces proline 81 with arginine.
Molecular consequence: missense variant.
Genome position (GRCh38, 1-based): chrX:154,460,425, C>G. VCF-style: chrX-154460425-C-G. GRCh37 (hg19) VCF-style: chrX-153688765-C-G.
Other names: short protein forms P81R.
Identifiers: ClinVar variation 3348459 (VCV003348459.1).

ClinVar aggregate classification (germline): Uncertain significance (0 of 4 stars; one submission).

Conditions:
PLXNA3-related disorder. Also called: PLXNA3-related condition.

gnomAD v4.1: 1 of 1,203,121 alleles (0.000083%); highest among the groups gnomAD compares: East Asian, 0.003%; no homozygotes.

Submission:

PreventionGenetics, part of Exact Sciences
Classification: Uncertain significance for PLXNA3-related condition. Last evaluated: 2023-12-29. Review status: no assertion criteria provided. Collection method: clinical testing. Allele origin: germline.
Comment: The PLXNA3 c.242C>G variant is predicted to result in the amino acid substitution p.Pro81Arg. To our knowledge, this variant has not been reported in the literature. This variant is reported in 0.0075% of alleles in individuals of East Asian descent in gnomAD. At this time, the clinical significance of this variant is uncertain due to the absence of conclusive functional and genetic evidence.